The following is an entry in ClinVar:

NM_003392.7(WNT5A):c.544T>C (p.Cys182Arg)

Gene: WNT5A (Wnt family member 5A; minus strand). Cytogenetic location: 3p14.3.
Variant type: single nucleotide variant.
Coding change: c.544T>C on transcript NM_003392.7 (MANE Select); coding-DNA position 544, T replaced by C.
Protein change: p.Cys182Arg; replaces cysteine 182 with arginine.
Molecular consequence: missense variant.
Genome position (GRCh38, 1-based): chr3:55,474,477, A>G on the plus strand (T>C on the coding strand, the complement: WNT5A is on the minus strand). VCF-style: chr3-55474477-A-G. GRCh37 (hg19) VCF-style: chr3-55508505-A-G.
Other names: c.499T>C, p.Cys167Arg (NM_001256105.1, NM_001377271.1, NM_001377272.1); short protein forms C182R, C167R.
Identifiers: ClinVar variation 29819 (VCV000029819.2), dbSNP rs387906663, ClinGen allele CA259668.
Genomic context (GRCh38, chr3:55,474,477, plus strand): 5'-GCTCGCGGGCGTCCACGAACTCCTTGGCAAAGCGGTAGCCATAGTCGATGTTGTCGCCGC[A>G]GCCGCCCCAGAGCCAGTCCCGCGGCAGGTCCTTGGGGCGCGCGGCGCGGCTGCAGCCGCA-3'
Protein context (NP_003383.4, residues 172-192): DLPRDWLWGG[Cys182Arg]GDNIDYGYRF

ClinVar aggregate classification (germline): Likely pathogenic. Review status: criteria provided, single submitter (1 of 4 stars). 2 submissions from 2 submitters: Likely pathogenic (1). 1 of the submissions does not count toward it. Last evaluated 2023-06-22.

Conditions:
Autosomal dominant Robinow syndrome 1. Also called: ROBINOW DWARFISM; WNT5A-Related Robinow Syndrome, Autosomal Dominant; ACRAL DYSOSTOSIS WITH FACIAL AND GENITAL ABNORMALITIES; Covesdem syndrome (formerly); Costovertebral segmentation defect with mesomelia (formerly); FETAL FACE SYNDROME. Identifiers: Orphanet 3107, Orphanet 97360, MedGen C4551475, MONDO:0024455, OMIM 180700.

Submissions (2):

Neuberg Centre For Genomic Medicine, NCGM
Classification: Likely pathogenic for Autosomal dominant Robinow syndrome 1. Last evaluated: 2023-06-22. Review status: criteria provided, single submitter. Criteria: ACMG Guidelines, 2015. Collection method: clinical testing. Allele origin: germline. Inheritance: Autosomal dominant inheritance. Affected: yes.
Comment: The observed missense c.544T>Cp.Cys182Arg variant in WNT5A gene has been reported in individuals affected with Robinow syndrome-1 Li P, et al., 2015; Roifman M, et al., 2015; Person AD, et al., 2010. Functional expression assays in zebrafish embryos showed that the mutant protein represented a hypomorphic allele partial loss of function Person AD, et al., 2010. The p.Cys182Arg variant is absent in gnomAD Exomes. This variant has been submitted to the ClinVar database as Pathogenic. Multiple lines of computational evidences Polyphen - Probably damaging, SIFT - Damaging and MutationTaster - Disease causing predict a damaging effect on protein structure and function for this variant. The reference amino acid change at this position on WNT5A gene is predicted as conserved by GERP++ and PhyloP across 100 vertebrates. The amino acid Cys at position 182 is changed to a Arg changing protein sequence and it might alter its composition and physico-chemical properties. However, additional functional studies will be required to prove the pathogenicity of this variant conclusively. For these reasons, this variant has been classified as Likely Pathogenic.

OMIM
Classification: Pathogenic for ROBINOW SYNDROME, AUTOSOMAL DOMINANT 1. Last evaluated: 2010-01-01. Review status: no assertion criteria provided. Collection method: literature only. Allele origin: germline. Not counted in ClinVar's aggregate classification.

Literature cited by the submitters: PubMed 5771504 (cited by OMIM); PubMed 19918918 (cited by OMIM).